The following is an entry in ClinVar:

ClinVar aggregate classification (germline): Uncertain significance. Review status: criteria provided, multiple submitters, no conflicts (2 of 4 stars). 3 submissions from 3 submitters: Uncertain significance (3). Last evaluated 2025-08-06.

Conditions:
Familial meningioma. Also called: Meningioma, familial, susceptibility to. Identifiers: Orphanet 263662, MedGen C3551915, MONDO:0011789, OMIM 607174.

gnomAD v4.1: 1 of 1,612,736 alleles (0.000062%); highest among the groups gnomAD compares: Admixed American, 0.0017%; no homozygotes.

Submissions (3):

Dasa
Classification: Uncertain significance. Last evaluated: 2025-08-06. Review status: criteria provided, single submitter. Criteria: DASA Assertion Criteria. Collection method: clinical testing. Allele origin: germline.
Comment: NM_003079.5(SMARCE1):c.499G>A (p.Gly167Arg) is a missense variant that results in the substitution of glycine with arginine. This variant is rare in population databases. The currently available literature and clinical evidence are not sufficient to establish a definitive association between this variant and the reported condition. Therefore, this variant is classified as a variant of uncertain significance.

GeneDx
Classification: Uncertain significance. Last evaluated: 2024-09-23. Review status: criteria provided, single submitter. Criteria: GeneDx Variant Classification Process June 2021. Collection method: clinical testing. Allele origin: germline. Affected: yes.
Comment: Not observed at significant frequency in large population cohorts (gnomAD); In silico analysis indicates that this missense variant does not alter protein structure/function; Has not been previously published as pathogenic or benign to our knowledge

Labcorp Genetics (formerly Invitae), Labcorp
Classification: Uncertain significance for Familial meningioma. Last evaluated: 2024-06-16. Review status: criteria provided, single submitter. Criteria: Invitae Variant Classification Sherloc (09022015). Collection method: clinical testing. Allele origin: germline.
Comment: This sequence change replaces glycine, which is neutral and non-polar, with arginine, which is basic and polar, at codon 167 of the SMARCE1 protein (p.Gly167Arg). This variant is not present in population databases (gnomAD no frequency). This variant has not been reported in the literature in individuals affected with SMARCE1-related conditions. ClinVar contains an entry for this variant (Variation ID: 2003035). Advanced modeling of protein sequence and biophysical properties (such as structural, functional, and spatial information, amino acid conservation, physicochemical variation, residue mobility, and thermodynamic stability) performed at Invitae indicates that this missense variant is expected to disrupt SMARCE1 protein function with a positive predictive value of 80%. In summary, the available evidence is currently insufficient to determine the role of this variant in disease. Therefore, it has been classified as a Variant of Uncertain Significance.

NM_003079.5(SMARCE1):c.499G>A (p.Gly167Arg)

Gene: SMARCE1 (SWI/SNF related BAF chromatin remodeling complex subunit E1; minus strand). Cytogenetic location: 17q21.2.
Variant type: single nucleotide variant.
Coding change: c.499G>A on transcript NM_003079.5 (MANE Select); coding-DNA position 499, G replaced by A.
Protein change: p.Gly167Arg; replaces glycine 167 with arginine.
Molecular consequence: missense variant.
Genome position (GRCh38, 1-based): chr17:40,635,973, C>T on the plus strand (G>A on the coding strand, the complement: SMARCE1 is on the minus strand). VCF-style: chr17-40635973-C-T. GRCh37 (hg19) VCF-style: chr17-38792225-C-T.
Other names: short protein forms G167R.
Identifiers: ClinVar variation 2003035 (VCV002003035.7), dbSNP rs764773654, ClinGen allele CA399366331.